The following is an entry in ClinVar:

NC_000007.13:g.(?_33217070)_(34888295_?)dup

Genes: BBS9 (Bardet-Biedl syndrome 9; plus strand), BMPER (BMP binding endothelial regulator; plus strand), NPSR1 (neuropeptide S receptor 1; plus strand), NPSR1-AS1 (NPSR1 antisense RNA 1; minus strand). Cytogenetic location: 7p14.3.
Variant type: Duplication.
Identifiers: ClinVar variation 2427217 (VCV002427217.3).

ClinVar aggregate classification (germline): Uncertain significance (1 of 4 stars; one submission).

Submission:

Labcorp Genetics (formerly Invitae), Labcorp
Classification: Uncertain significance. Last evaluated: 2022-05-20. Review status: criteria provided, single submitter. Criteria: Invitae Variant Classification Sherloc (09022015). Collection method: clinical testing. Allele origin: germline.
Comment: A copy number gain of the genomic region encompassing the full coding sequence of the BMPER gene has been identified. The boundaries of this event are unknown as they extend beyond the assayed region for this gene and therefore may encompass additional genes. As the precise location of this event is unknown, it may be in tandem or it may be located elsewhere in the genome. This variant has not been reported in the literature in individuals affected with BMPER-related conditions. In summary, the available evidence is currently insufficient to determine the role of this variant in disease. Therefore, it has been classified as a Variant of Uncertain Significance.